The following is an entry in ClinVar:

NM_000548.5(TSC2):c.3827C>T (p.Ser1276Phe)

Gene: TSC2 (TSC complex subunit 2; plus strand). Cytogenetic location: 16p13.3.
Variant type: single nucleotide variant.
Coding change: c.3827C>T on transcript NM_000548.5 (MANE Select); coding-DNA position 3827, C replaced by T.
Protein change: p.Ser1276Phe; replaces serine 1276 with phenylalanine.
Molecular consequence: missense variant. On other transcripts: intron variant (6).
Genome position (GRCh38, 1-based): chr16:2,082,448, C>T. VCF-style: chr16-2082448-C-T. GRCh37 (hg19) VCF-style: chr16-2132449-C-T.
Other names: p.S1276F:TCC>TTC; c.3095C>T, p.Ser1032Phe (NM_001318831.2); c.3695C>T, p.Ser1232Phe (NM_001370404.1); c.3698C>T, p.Ser1233Phe (NM_001370405.1, NM_021055.3); c.3814+650C>T (NM_001114382.3); c.3685+650C>T (NM_001363528.2); c.3682+650C>T (NM_001077183.3); c.3574+650C>T (NM_001318827.2); and 2 more; short protein forms S1276F, S1233F, S1032F, S1232F.
Identifiers: ClinVar variation 41735 (VCV000041735.46), dbSNP rs45478595, ClinGen allele CA019588.

ClinVar aggregate classification (germline): Benign/Likely benign. Review status: criteria provided, multiple submitters, no conflicts (2 of 4 stars). 11 submissions from 11 submitters: Benign (7); Likely benign (2). 2 of the submissions do not count toward it. Last evaluated 2026-03-01.

Conditions:
Hereditary cancer-predisposing syndrome. Also called: Tumor predisposition; Neoplastic Syndromes, Hereditary; Hereditary Cancer Syndrome; Hereditary neoplastic syndrome. Identifiers: Orphanet 140162, MedGen C0027672, MeSH D009386, MONDO:0015356.
Tuberous sclerosis syndrome (TSC). Also called: Tuberous Sclerosis Complex; Tuberous sclerosis. Identifiers: Orphanet 805, MedGen C0041341, MONDO:0001734.
Tuberous sclerosis 2 (TSC2). Identifiers: Orphanet 805, MedGen C1860707, MONDO:0013199, OMIM 613254.

Allele frequency attached by ClinVar (database versions not stated): 1000 Genomes Project 0.00020; ExAC 0.00023; gnomAD exomes 0.00032 and 0.00016; gnomAD 0.00011; 1000 Genomes Project 30x 0.00016; TOPMed 0.00016.

Submissions (11):

CeGaT Center for Human Genetics Tuebingen
Classification: Likely benign. Last evaluated: 2026-03-01. Review status: criteria provided, single submitter. Criteria: CeGaT Center For Human Genetics Tuebingen Variant Classification Criteria Version 2. Collection method: clinical testing. Allele origin: germline. Affected: yes. Observed: 10 variant alleles.
Comment: TSC2: BP4, BS2

Labcorp Genetics (formerly Invitae), Labcorp
Classification: Benign for Tuberous sclerosis 2. Last evaluated: 2026-02-02. Review status: criteria provided, single submitter. Criteria: Invitae Variant Classification Sherloc (09022015). Collection method: clinical testing. Allele origin: germline.

Myriad Genetics, Inc.
Classification: Benign for Tuberous sclerosis 2. Last evaluated: 2025-07-29. Review status: criteria provided, single submitter. Criteria: Myriad Autosomal Dominant, Autosomal Recessive and X-Linked Classification Criteria (2023). Collection method: clinical testing. Allele origin: unknown.
Comment: This variant is considered benign. This variant has been observed at a population frequency that is significantly greater than expected given the associated disease prevalence and penetrance. Homozygosity has been confirmed in one or more individuals. As homozygosity for pathogenic variants in this gene is generally assumed to result in embryonic lethality, this variant is unlikely to be pathogenic.

Blueprint Genetics
Classification: Likely benign. Last evaluated: 2024-11-08. Review status: criteria provided, single submitter. Criteria: ACMG Guidelines, 2015. Collection method: clinical testing. Allele origin: germline.

Color Diagnostics, LLC DBA Color Health
Classification: Benign for Tuberous sclerosis syndrome. Last evaluated: 2023-04-03. Review status: criteria provided, single submitter. Criteria: ACMG Guidelines, 2015. Collection method: clinical testing. Allele origin: germline.

Genome-Nilou Lab
Classification: Benign for Tuberous sclerosis 2. Last evaluated: 2021-11-07. Review status: criteria provided, single submitter. Criteria: ACMG Guidelines, 2015. Collection method: clinical testing. Allele origin: germline. Affected: no.

Sema4
Classification: Benign for Hereditary cancer-predisposing syndrome. Last evaluated: 2020-09-29. Review status: criteria provided, single submitter. Criteria: Sema4 Curation Guidelines. Collection method: curation. Allele origin: germline.

GeneDx
Classification: Benign. Last evaluated: 2016-11-23. Review status: criteria provided, single submitter. Criteria: GeneDx Variant Classification (06012015). Collection method: clinical testing. Allele origin: germline. Affected: yes.
Comment: This variant is considered likely benign or benign based on one or more of the following criteria: it is a conservative change, it occurs at a poorly conserved position in the protein, it is predicted to be benign by multiple in silico algorithms, and/or has population frequency not consistent with disease.

Ambry Genetics
Classification: Benign for Hereditary cancer-predisposing syndrome. Last evaluated: 2015-07-23. Review status: criteria provided, single submitter. Criteria: Ambry Variant Classification Scheme 2023. Collection method: clinical testing. Allele origin: germline.

Biesecker Lab/Clinical Genomics Section, National Institutes of Health
Classification: Uncertain significance. Last evaluated: 2012-07-13. Review status: no assertion criteria provided. Collection method: research. Allele origin: germline. Affected: no. Observed: 2 variant alleles. Study: ClinSeq. Not counted in ClinVar's aggregate classification.
ClinVar note: Converted during submission from variant of unknown significance to Uncertain significance.

Tuberous sclerosis database (TSC2)
No classification provided. Condition: TSC. Review status: no classification provided. Criteria: Tuberous Sclerosis Database Assertion Criteria 2015. Collection method: curation. Allele origin: germline. Affected: yes. Not counted in ClinVar's aggregate classification.